The following is an entry in ClinVar:

ClinVar aggregate classification (germline): Likely pathogenic (1 of 4 stars; one submission).

Conditions:
Glycogen storage disease, type V (GSD5). Also called: PYGM DEFICIENCY; McArdle type glycogen storage disease; MCARDLE DISEASE; MUSCLE GLYCOGEN PHOSPHORYLASE DEFICIENCY; MYOPHOSPHORYLASE DEFICIENCY. Identifiers: Orphanet 368, MedGen C0017924, MONDO:0009293, OMIM 232600.

Submission:

Labcorp Genetics (formerly Invitae), Labcorp
Classification: Likely pathogenic for Glycogen storage disease, type V. Last evaluated: 2019-04-20. Review status: criteria provided, single submitter. Criteria: Invitae Variant Classification Sherloc (09022015). Collection method: clinical testing. Allele origin: germline.
Comment: This sequence change affects an acceptor splice site in intron 14 of the PYGM gene. It is expected to disrupt RNA splicing and likely results in an absent or disrupted protein product. This variant is not present in population databases (ExAC no frequency). This variant has not been reported in the literature in individuals with PYGM-related conditions. Donor and acceptor splice site variants typically lead to a loss of protein function (PMID: 16199547), and loss-of-function variants in PYGM are known to be pathogenic (PMID: 8316268, 16786513). In summary, the currently available evidence indicates that the variant is pathogenic, but additional data are needed to prove that conclusively. Therefore, this variant has been classified as Likely Pathogenic.

Literature cited by the submitters: PubMed 16199547; PubMed 8316268; PubMed 16786513.

NM_005609.4(PYGM):c.1769-1G>A

Gene: PYGM (glycogen phosphorylase, muscle associated; minus strand). Cytogenetic location: 11q13.1.
Variant type: single nucleotide variant.
Coding change: c.1769-1G>A on transcript NM_005609.4 (MANE Select); the canonical splice acceptor site of the intron before coding-DNA position 1769, G replaced by A.
Molecular consequence: splice acceptor variant.
Genome position (GRCh38, 1-based): chr11:64,751,656, C>T on the plus strand (G>A on the coding strand, the complement: PYGM is on the minus strand). VCF-style: chr11-64751656-C-T. GRCh37 (hg19) VCF-style: chr11-64519128-C-T.
Other names: c.1505-1G>A (NM_001164716.1).
Identifiers: ClinVar variation 861532 (VCV000861532.2), dbSNP rs2058357329, ClinGen allele CA381170117.